The following is an entry in ClinVar:

ClinVar aggregate classification (germline): Likely benign. Review status: criteria provided, multiple submitters, no conflicts (2 of 4 stars). 2 submissions from 2 submitters: Likely benign (2). Last evaluated 2025-06-22.

Allele frequency attached by ClinVar (database versions not stated): gnomAD 0.00015; ExAC 0.00020; TOPMed 0.00020; gnomAD exomes 0.00039; ESP Exome Variant Server 0.00062.
gnomAD v4.1: 605 of 1,614,084 alleles (0.037%); highest among the groups gnomAD compares: Non-Finnish European, 0.048%; no homozygotes.

Submissions (2):

Labcorp Genetics (formerly Invitae), Labcorp
Classification: Likely benign. Last evaluated: 2025-06-22. Review status: criteria provided, single submitter. Criteria: Invitae Variant Classification Sherloc (09022015). Collection method: clinical testing. Allele origin: germline.

CeGaT Center for Human Genetics Tuebingen
Classification: Likely benign. Last evaluated: 2024-10-01. Review status: criteria provided, single submitter. Criteria: CeGaT Center For Human Genetics Tuebingen Variant Classification Criteria Version 2. Collection method: clinical testing. Allele origin: germline. Affected: yes. Observed: 1 variant allele.
Comment: BRD4: BP4, BP7

NM_001379291.1(BRD4):c.309G>A (p.Thr103=)

Gene: BRD4 (bromodomain containing 4; minus strand). Cytogenetic location: 19p13.12.
Variant type: single nucleotide variant.
Coding change: c.309G>A on transcript NM_001379291.1 (MANE Select); coding-DNA position 309, G replaced by A.
Protein change: p.Thr103=; no amino-acid change (threonine 103 retained).
Molecular consequence: synonymous variant.
Genome position (GRCh38, 1-based): chr19:15,269,019, C>T on the plus strand (G>A on the coding strand, the complement: BRD4 is on the minus strand). VCF-style: chr19-15269019-C-T. GRCh37 (hg19) VCF-style: chr19-15379830-C-T.
Other names: c.309G>A, p.Thr103= (NM_001330384.2, NM_001379292.1, NM_014299.3 and 1 more transcripts).
Identifiers: ClinVar variation 2165308 (VCV002165308.18), dbSNP rs150761275, ClinGen allele CA9265660.
Genomic context (GRCh38, chr19:15,269,019, plus strand): 5'-CTGAGCATTCCAGTAATAGTTGTTTTCCAAGCGCTTCTTTATTGTTCCCATATCCATAGG[C>T]GTTTTAATGATCTTATAGTAATCCTGGAGAGCAGAGAGCAAAAGTCCAGTGTCACCTAGG-3'
Protein context (NP_001366220.1, residues 93-113): NLPDYYKIIK[Thr103=]PMDMGTIKKR